The following is an entry in ClinVar:

NM_003000.3(SDHB):c.21del (p.Ser8fs)

Gene: SDHB (succinate dehydrogenase complex iron sulfur subunit B; minus strand). Cytogenetic location: 1p36.13.
Variant type: Deletion.
Coding change: c.21del on transcript NM_003000.3 (MANE Select); coding-DNA position 21, one base deleted (C; older notation c.21delC).
Protein change: p.Ser8fs; shifts the reading frame from serine 8.
Molecular consequence: frameshift variant.
Genome position (GRCh38, 1-based): chr1:17,053,999, G deleted on the plus strand (C on the coding strand, the reverse complement: SDHB is on the minus strand). VCF-style (leftmost placement, unchanged base first): chr1-17053998-AG-A. GRCh37 (hg19) VCF-style: chr1-17380493-AG-A.
Other names: c.21delC (NM_003000.2); short protein forms S8fs.
Identifiers: ClinVar variation 480807 (VCV000480807.6), dbSNP rs1553179359, ClinGen allele CA658656885.

ClinVar aggregate classification (germline): Pathogenic. Review status: criteria provided, multiple submitters, no conflicts (2 of 4 stars). 2 submissions from 2 submitters: Pathogenic (2). Last evaluated 2024-09-12.

Conditions:
Hereditary cancer-predisposing syndrome. Also called: Neoplastic Syndromes, Hereditary; Hereditary neoplastic syndrome; Tumor predisposition; Hereditary Cancer Syndrome. Identifiers: Orphanet 140162, MedGen C0027672, MeSH D009386, MONDO:0015356.
Hereditary pheochromocytoma and paraganglioma. Also called: Hereditary Paraganglioma-Pheochromocytoma Syndromes; Hereditary paragangliomas and pheochromocytomas; Hereditary pheochromocytoma-paraganglioma. Identifiers: Orphanet 29072, MedGen C4274332, MONDO:0017366.

Submissions (2):

All of Us Research Program, National Institutes of Health
Classification: Pathogenic for Hereditary pheochromocytoma and paraganglioma. Last evaluated: 2024-09-12. Review status: criteria provided, single submitter. Criteria: ACMG Guidelines, 2015. Collection method: clinical testing. Allele origin: germline. Inheritance: Autosomal dominant inheritance. Observed: 1 variant allele, 1 heterozygote.
Comment: The c.21del variant in the SDHB gene is located on the exon 1 and is predicted to shift of reading frame that introduces a premature translation termination codon (p.Ser8Profs*2), resulting in an absent or disrupted protein product. This variant has been reported in an individual with head and neck paraganglioma (PMID: 15328326, 19351833). Loss-of-function variants of SDHB are known to be pathogenic (PMID: 16258955, 19389109, 28490599). Other loss-of-function variants located in exon 1 (p.Ala25Glyfs*38, p.Leu9*, p.Met1Ile) have been reported in individuals with paraganglioma/pheochromocytoma and interpreted as pathogenic (ClinVar ID: 428928, 187527, 428932). This variant is absent in the general population database (gnomAD) and reported as pathogenic by one submitter in ClinVar (ID: 480807). Therefore, this variant is classified as pathogenic.

This study involves interpretation of variants in research participants for the purpose of population health screening. Participant phenotype was not available at the time of variant classification. Additional details can be found in publication PMID: 35346344, PMCID: PMC8962531

Ambry Genetics
Classification: Pathogenic for Hereditary cancer-predisposing syndrome. Last evaluated: 2017-07-03. Review status: criteria provided, single submitter. Criteria: Ambry Variant Classification Scheme 2023. Collection method: clinical testing. Allele origin: germline.
Comment: The c.21delC pathogenic mutation, located in coding exon 1 of the SDHB gene, results from a deletion of one nucleotide at nucleotide position 21, causing a translational frameshift with a predicted alternate stop codon (p.S8Pfs*2). In a study of 598 unrelated probands diagnosed with head and neck paraganglioma, this alteration was detected in 1 individuals (Neumann HP et al. Cancer Res. 2009 Apr;69:3650-6). In addition to the clinical data presented in the literature, this alteration is expected to result in loss of function by premature protein truncation or nonsense-mediated mRNA decay. As such, this alteration is interpreted as a disease-causing mutation.

Literature cited by the submitters: PubMed 15328326 (cited by All of Us Research Program, National Institutes of Health); PubMed 16258955 (cited by All of Us Research Program, National Institutes of Health); PubMed 19351833 (cited by All of Us Research Program, National Institutes of Health and Ambry Genetics); PubMed 19389109 (cited by All of Us Research Program, National Institutes of Health); PubMed 28490599 (cited by All of Us Research Program, National Institutes of Health).